The following is an entry in ClinVar:

ClinVar aggregate classification (germline): Pathogenic (1 of 4 stars; one submission).

Submission:

GeneDx
Classification: Pathogenic. Last evaluated: 2016-06-23. Review status: criteria provided, single submitter. Criteria: GeneDx Variant Classification (06012015). Collection method: clinical testing. Allele origin: germline. Affected: yes.
Comment: The c.2163_2169delTGGAACC pathogenic variant in the NSD1 gene has not been reported previously as a pathogenic variant nor as a benign variant, to our knowledge. This variant causes a frameshift starting with codon Glycine 722, changes this amino acid to an Arginine residue, and creates a premature Stop codon at position 10 of the new reading frame, denoted p.Gly722ArgfsX10. This variant is predicted to cause loss of normal protein function either through protein truncation or nonsense-mediated mRNA decay. The c.2163_2169delTGGAACC variant was not observed in approximately 6500 individuals of European and African American ancestry in the NHLBI Exome Sequencing Project, indicating it is not a common benign variant in these populations. We interpret c.2163_2169delTGGAACC as a pathogenic variant.

NM_022455.5(NSD1):c.2163_2169del (p.Gly722fs)

Gene: NSD1 (nuclear receptor binding SET domain protein 1; plus strand). Cytogenetic location: 5q35.3.
Variant type: Deletion.
Coding change: c.2163_2169del on transcript NM_022455.5 (MANE Select); coding-DNA positions 2163 to 2169, 7 bases deleted (TGGAACC; older notation c.2163_2169delTGGAACC).
Protein change: p.Gly722fs; shifts the reading frame from glycine 722.
Molecular consequence: frameshift variant.
Genome position (GRCh38, 1-based): chr5:177,210,562-177,210,568, TGGAACC deleted; deleting any 7 consecutive bases within chr5:177,210,560-177,210,568 gives the same sequence; the c. name uses the placement nearest the transcript's 3' end. VCF-style (leftmost placement, unchanged base first): chr5-177210559-GCCTGGAA-G. GRCh37 (hg19) VCF-style: chr5-176637560-GCCTGGAA-G.
Other names: c.1290_1296delTGGAACC, p.Gly431Argfs (NM_001365684.2, NM_001409306.1, NM_001409307.1 and 3 more transcripts); c.2163_2169delTGGAACC, p.Gly722Argfs (NM_001409301.1, NM_001409302.1, NM_001409303.1); c.1743_1749delTGGAACC, p.Gly582Argfs (NM_001409304.1); c.1410_1416delTGGAACC, p.Gly471Argfs (NM_001409305.1); short protein forms G453fs, G722fs.
Identifiers: ClinVar variation 280665 (VCV000280665.2), dbSNP rs886041832, ClinGen allele CA10602988.